The following is an entry in ClinVar:

NM_001041.4(SI):c.5370C>A (p.Asn1790Lys)

Gene: SI (sucrase-isomaltase; minus strand). Cytogenetic location: 3q26.1.
Variant type: single nucleotide variant.
Coding change: c.5370C>A on transcript NM_001041.4 (MANE Select); coding-DNA position 5370, C replaced by A.
Protein change: p.Asn1790Lys; replaces asparagine 1790 with lysine.
Molecular consequence: missense variant.
Genome position (GRCh38, 1-based): chr3:164,982,288, G>T on the plus strand (C>A on the coding strand, the complement: SI is on the minus strand). VCF-style: chr3-164982288-G-T. GRCh37 (hg19) VCF-style: chr3-164700076-G-T.
Other names: short protein forms N1790K.
Identifiers: ClinVar variation 1479786 (VCV001479786.8), dbSNP rs760411938, ClinGen allele CA2689542.

ClinVar aggregate classification (germline): Uncertain significance (1 of 4 stars; one submission).

gnomAD v4.1: 1 of 1,612,882 alleles (0.000062%); highest among the groups gnomAD compares: Non-Finnish European, 0.000085%; no homozygotes.

Submission:

Labcorp Genetics (formerly Invitae), Labcorp
Classification: Uncertain significance. Last evaluated: 2022-07-11. Review status: criteria provided, single submitter. Criteria: Invitae Variant Classification Sherloc (09022015). Collection method: clinical testing. Allele origin: germline.
Comment: In summary, the available evidence is currently insufficient to determine the role of this variant in disease. Therefore, it has been classified as a Variant of Uncertain Significance. Algorithms developed to predict the effect of sequence changes on RNA splicing suggest that this variant may create or strengthen a splice site. Advanced modeling of protein sequence and biophysical properties (such as structural, functional, and spatial information, amino acid conservation, physicochemical variation, residue mobility, and thermodynamic stability) performed at Invitae indicates that this missense variant is not expected to disrupt SI protein function. ClinVar contains an entry for this variant (Variation ID: 1479786). This variant has not been reported in the literature in individuals affected with SI-related conditions. This variant is not present in population databases (gnomAD no frequency). This sequence change replaces asparagine, which is neutral and polar, with lysine, which is basic and polar, at codon 1790 of the SI protein (p.Asn1790Lys).